The following is an entry in ClinVar:

ClinVar aggregate classification (germline): Uncertain significance. Review status: criteria provided, multiple submitters, no conflicts (2 of 4 stars). 2 submissions from 2 submitters: Uncertain significance (2). Last evaluated 2026-04-27.

Conditions:
Inborn genetic diseases. Identifiers: MedGen C0950123, MeSH D030342.

Submissions (2):

Ambry Genetics
Classification: Uncertain significance for Inborn genetic diseases. Last evaluated: 2026-04-27. Review status: criteria provided, single submitter. Criteria: Ambry Variant Classification Scheme 2023. Collection method: clinical testing. Allele origin: germline.
Comment: The c.1731G>A (p.M577I) alteration is located in exon 12 (coding exon 12) of the KDM5C gene. This alteration results from a G to A substitution at nucleotide position 1731, causing the methionine (M) at amino acid position 577 to be replaced by an isoleucine (I). Based on data from gnomAD, the A allele has an overall frequency of 0.005% (1/21949) total alleles studied. The highest observed frequency was 0.017% (1/5870) of African alleles. Based on insufficient or conflicting evidence, the clinical significance of this alteration remains unclear.

GeneDx
Classification: Uncertain significance. Last evaluated: 2024-01-31. Review status: criteria provided, single submitter. Criteria: GeneDx Variant Classification Process June 2021. Collection method: clinical testing. Allele origin: germline. Affected: yes.
Comment: In silico analysis supports that this missense variant has a deleterious effect on protein structure/function; Has not been previously published as pathogenic or benign to our knowledge

NM_004187.5(KDM5C):c.1731G>A (p.Met577Ile)

Gene: KDM5C (lysine demethylase 5C; minus strand). Cytogenetic location: Xp11.22.
Variant type: single nucleotide variant.
Coding change: c.1731G>A on transcript NM_004187.5 (MANE Select); coding-DNA position 1731, G replaced by A.
Protein change: p.Met577Ile; replaces methionine 577 with isoleucine.
Molecular consequence: missense variant. On other transcripts: non-coding transcript variant (3).
Genome position (GRCh38, 1-based): chrX:53,210,429, C>T on the plus strand (G>A on the coding strand, the complement: KDM5C is on the minus strand). VCF-style: chrX-53210429-C-T. GRCh37 (hg19) VCF-style: chrX-53239611-C-T.
Other names: c.1731G>A (NM_004187.3); c.1530G>A, p.Met510Ile (NM_001146702.2); c.1728G>A, p.Met576Ile (NM_001282622.3, NM_001353979.2, NM_001353982.2); c.1731G>A, p.Met577Ile (NM_001353978.3, NM_001353981.2, NM_001353984.2); short protein forms M510I, M576I, M577I.
Identifiers: ClinVar variation 3368507 (VCV003368507.2).
Genomic context (GRCh38, chrX:53,210,429, plus strand): 5'-CACTAAATCACTCCTGCCGCTTGTCCCTGTTGCCTGGGTACTCACTGGCACACCATGGGA[C>T]ATGAGGGTGTTGGGATTCATGAGGGTGACAAGTTGGTGCAGGAGGTCAGGCTGGCTATCA-3'
Protein context (NP_004178.2, residues 567-587): LVTLMNPNTL[Met577Ile]SHGVPVVRTN